The following is an entry in ClinVar:

NM_000091.5(COL4A3):c.4887_4888del (p.Tyr1629_Ser1630delinsTer)

Genes: COL4A3 (collagen type IV alpha 3 chain; plus strand), MFF-DT (MFF divergent transcript; minus strand). Cytogenetic location: 2q36.3.
Variant type: Deletion.
Coding change: c.4887_4888del on transcript NM_000091.5 (MANE Select); coding-DNA positions 4887 to 4888, 2 bases deleted (CA; older notation c.4887_4888delCA).
Protein change: p.Tyr1629_Ser1630delinsTer.
Molecular consequence: nonsense.
Genome position (GRCh38, 1-based): chr2:227,310,907-227,310,908, CA deleted; deleting any 2 consecutive bases within chr2:227,310,906-227,310,908 gives the same sequence; the c. name uses the placement nearest the transcript's 3' end. VCF-style (leftmost placement, unchanged base first): chr2-227310905-TAC-T. GRCh37 (hg19) VCF-style: chr2-228175621-TAC-T.
Other names: c.4887_4888del (NM_000091.4).
Identifiers: ClinVar variation 3586155 (VCV003586155.3).

ClinVar aggregate classification (germline): Likely pathogenic. Review status: criteria provided, multiple submitters, no conflicts (2 of 4 stars). 3 submissions from 3 submitters: Likely pathogenic (3). Last evaluated 2025-10-10.

Conditions:
Autosomal dominant Alport syndrome (ATS3A). Also called: Alport syndrome dominant type; Renal failure and sensorineural hearing loss; ALPORT SYNDROME 3A, AUTOSOMAL DOMINANT. Identifiers: Orphanet 63, Orphanet 88918, MedGen C5882663, MONDO:0007086, OMIM 104200.
Hematuria, benign familial, 2 (BFH2). Identifiers: MedGen C5830421, MONDO:0958186, OMIM 620320.
Alport syndrome 3b, autosomal recessive. Identifiers: MedGen C5882699, MONDO:0957811, OMIM 620536.
Alport syndrome. Also called: Hemorrhagic familial nephritis; Hemorrhagic hereditary nephritis; Congenital hereditary hematuria. Identifiers: Orphanet 63, MedGen C1567741, MONDO:0018965.

Submissions (3):

Natera, Inc.
Classification: Likely pathogenic for Alport syndrome. Last evaluated: 2025-10-10. Review status: criteria provided, single submitter. Criteria: Natera Variant Classification Schema (03/2026). Collection method: clinical testing. Allele origin: germline.
Comment: The c.4887_4888del variant in COL4A3 is a frameshift variant predicted to shift the reading frame and introduce a stop codon. This variant is expected to result in nonsense mediated decay, truncation, or a dysfunctional protein product. This variant is rare in the general population with a frequency below the threshold expected for the associated phenotype(s). This variant has been observed in one or more individuals affected with the associated recessive disease, as either homozygous or compound heterozygous with a second variant (PMID: 26809805, 36349757). Given the available evidence, this variant is classified as Likely Pathogenic.

Variantyx, Inc.
Classification: Likely pathogenic for Autosomal dominant Alport syndrome. Last evaluated: 2025-08-21. Review status: criteria provided, single submitter. Criteria: Variantyx Assertion Criteria 2022. Collection method: clinical testing. Allele origin: germline. Inheritance: Semidominant inheritance. Affected: yes.
Comment: This is a frameshift variant in the COL4A3 gene (OMIM: 120070). Pathogenic variants in this gene have been associated with autosomal dominant Alport spectrum. This variant has been reported in the homozygous state in an individual affected with Alport syndrome (PMID: 26809805). The alteration ntroduces a premature termination codon in exon 51 out of 52 and is expected to result in loss of function, which is a known disease mechanism for COL4A3 in this disorder (PMID: 8956999, 24854265, 26809805, 27281700) (PVS1). This variant has a 0.0003% maximum allele frequency in non-founder control populations (PM2). Based on the current evidence, this variant is classified as likely pathogenic for autosomal dominant Alport spectrum.

Fulgent Genetics
Classification: Likely pathogenic for Autosomal dominant Alport syndrome; Hematuria, benign familial, 2; Alport syndrome 3b, autosomal recessive. Last evaluated: 2024-04-06. Review status: criteria provided, single submitter. Criteria: ACMG Guidelines, 2015. Collection method: clinical testing. Allele origin: germline.

Literature cited by the submitters: PubMed 26809805 (cited by Natera, Inc. and Variantyx, Inc.); PubMed 36349757 (cited by Natera, Inc.); PubMed 8956999 (cited by Variantyx, Inc.); PubMed 24854265 (cited by Variantyx, Inc.); PubMed 27281700 (cited by Variantyx, Inc.).